The following is an entry in ClinVar:

NM_001267550.2(TTN):c.54342G>A (p.Trp18114Ter)

Genes: TTN (titin; minus strand), TTN-AS1 (TTN antisense RNA 1; plus strand). Cytogenetic location: 2q31.2.
Variant type: single nucleotide variant.
Coding change: c.54342G>A on transcript NM_001267550.2 (MANE Select); coding-DNA position 54342, G replaced by A.
Protein change: p.Trp18114Ter; replaces tryptophan 18114 with a stop codon.
Molecular consequence: nonsense. On other transcripts: non-coding transcript variant (1).
Genome position (GRCh38, 1-based): chr2:178,604,747, C>T on the plus strand (G>A on the coding strand, the complement: TTN is on the minus strand). VCF-style: chr2-178604747-C-T. GRCh37 (hg19) VCF-style: chr2-179469474-C-T.
Other names: c.49419G>A, p.Trp16473Ter (NM_001256850.1); c.27147G>A, p.Trp9049Ter (NM_003319.4); c.46638G>A, p.Trp15546Ter (NM_133378.4); c.27522G>A, p.Trp9174Ter (NM_133432.3); c.27723G>A, p.Trp9241Ter (NM_133437.4); short protein forms W15546*, W16473*, W18114*, W9049*, W9174*, W9241*.
Identifiers: ClinVar variation 3338346 (VCV003338346.3).

ClinVar aggregate classification (germline): Likely pathogenic. Review status: criteria provided, multiple submitters, no conflicts (2 of 4 stars). 2 submissions from 2 submitters: Likely pathogenic (2). Last evaluated 2024-06-02.

Conditions:
Primary dilated cardiomyopathy (DCM). Also called: Dilated Cardiomyopathy. Identifiers: Orphanet 217604, MedGen C0007193, MeSH D002311, MONDO:0005021, HP:0001644. Inheritance: Various modes of inheritance.
Dilated cardiomyopathy 1G (CMD1G). Identifiers: Orphanet 154, MedGen C1858763, MONDO:0011400, OMIM 604145.
Autosomal recessive limb-girdle muscular dystrophy type 2J (LGMDR10). Also called: Limb-girdle muscular dystrophy, type 2J; MUSCULAR DYSTROPHY, LIMB-GIRDLE, AUTOSOMAL RECESSIVE 10. Identifiers: Orphanet 140922, MedGen C1837342, MONDO:0012127, OMIM 608807.

Submissions (2):

Labcorp Genetics (formerly Invitae), Labcorp
Classification: Likely pathogenic for Dilated cardiomyopathy 1G; Autosomal recessive limb-girdle muscular dystrophy type 2J. Last evaluated: 2024-06-02. Review status: criteria provided, single submitter. Criteria: Invitae Variant Classification Sherloc (09022015). Collection method: clinical testing. Allele origin: germline.
Comment: This sequence change creates a premature translational stop signal (p.Trp18114*) in the TTN gene. While this is not anticipated to result in nonsense mediated decay, it is expected to create a truncated TTN protein. This variant is not present in population databases (gnomAD no frequency). This variant has not been reported in the literature in individuals affected with TTN-related conditions. This variant is located in the A band of TTN (PMID: 25589632). Truncating variants in this region are significantly overrepresented in patients affected with dilated cardiomyopathy (PMID: 25589632). Truncating variants in this region have also been reported in individuals affected with autosomal recessive centronuclear myopathy (PMID: 23975875). In summary, the currently available evidence indicates that the variant is pathogenic, but additional data are needed to prove that conclusively. Therefore, this variant has been classified as Likely Pathogenic.

Lildballe Lab, Aarhus University Hospital
Classification: Likely pathogenic for dilated cardiomyopathy. Last evaluated: 2024-03-01. Review status: criteria provided, single submitter. Criteria: ACMG Guidelines, 2015. Collection method: research. Allele origin: germline. Affected: yes.
Comment: PVS1(vs), PM2(sup)

Literature cited by the submitters: PubMed 25589632 (cited by Labcorp Genetics (formerly Invitae), Labcorp); PubMed 23975875 (cited by Labcorp Genetics (formerly Invitae), Labcorp); PubMed 25741925 (cited by Lildballe Lab, Aarhus University Hospital); PubMed 39481677 (cited by Lildballe Lab, Aarhus University Hospital).